The following is an entry in ClinVar:

ClinVar aggregate classification (germline): Uncertain significance (1 of 4 stars; one submission).

Conditions:
Myopathy, proximal, and ophthalmoplegia (CMYO6). Also called: MYOPATHY WITH CONGENITAL JOINT CONTRACTURES, OPHTHALMOPLEGIA, AND RIMMED VACUOLES; INCLUSION BODY MYOPATHY 3, AUTOSOMAL DOMINANT; CONGENITAL MYOPATHY 6 WITH OPHTHALMOPLEGIA. Identifiers: Orphanet 363677, Orphanet 79091, MedGen C1854106, MONDO:0011577, OMIM 605637.

Submission:

Labcorp Genetics (formerly Invitae), Labcorp
Classification: Uncertain significance for Myopathy, proximal, and ophthalmoplegia. Last evaluated: 2026-01-18. Review status: criteria provided, single submitter. Criteria: Invitae Variant Classification Sherloc (09022015). Collection method: clinical testing. Allele origin: germline.
Comment: This sequence change replaces valine, which is neutral and non-polar, with leucine, which is neutral and non-polar, at codon 427 of the MYH2 protein (p.Val427Leu). This variant is not present in population databases (gnomAD no frequency). This variant has not been reported in the literature in individuals affected with MYH2-related conditions. ClinVar contains an entry for this variant (Variation ID: 3647937). Invitae Evidence Modeling of protein sequence and biophysical properties (such as structural, functional, and spatial information, amino acid conservation, physicochemical variation, residue mobility, and thermodynamic stability) indicates that this missense variant is not expected to disrupt MYH2 protein function with a negative predictive value of 80%. In summary, the available evidence is currently insufficient to determine the role of this variant in disease. Therefore, it has been classified as a Variant of Uncertain Significance.

NM_017534.6(MYH2):c.1279G>C (p.Val427Leu)

Genes: MYH2 (myosin heavy chain 2; minus strand), MYHAS (myosin heavy chain gene cluster antisense RNA; plus strand). Cytogenetic location: 17p13.1.
Variant type: single nucleotide variant.
Coding change: c.1279G>C on transcript NM_017534.6 (MANE Select); coding-DNA position 1279, G replaced by C.
Protein change: p.Val427Leu; replaces valine 427 with leucine.
Molecular consequence: missense variant.
Genome position (GRCh38, 1-based): chr17:10,539,342, C>G on the plus strand (G>C on the coding strand, the complement: MYH2 is on the minus strand). VCF-style: chr17-10539342-C-G. GRCh37 (hg19) VCF-style: chr17-10442659-C-G.
Other names: c.1279G>C, p.Val427Leu (NM_001100112.2); short protein forms V427L.
Identifiers: ClinVar variation 3647937 (VCV003647937.2).